The following is an entry in ClinVar:

ClinVar aggregate classification (germline): Likely benign (1 of 4 stars; one submission).

Conditions:
ECEL1-related disorder. Also called: ECEL1-related condition.

Submission:

PreventionGenetics, part of Exact Sciences
Classification: Likely benign for ECEL1-related condition. Last evaluated: 2025-02-10. Review status: criteria provided, single submitter. Criteria: ACMG Guidelines, 2015. Collection method: clinical testing. Allele origin: germline.
Comment: This variant is classified as likely benign based on ACMG/AMP sequence variant interpretation guidelines (Richards et al. 2015 PMID: 25741868, with internal and published modifications).

NM_004826.4(ECEL1):c.123T>C (p.Ala41=)

Gene: ECEL1 (endothelin converting enzyme like 1; minus strand). Cytogenetic location: 2q37.1.
Variant type: single nucleotide variant.
Coding change: c.123T>C on transcript NM_004826.4 (MANE Select); coding-DNA position 123, T replaced by C.
Protein change: p.Ala41=; no amino-acid change (alanine 41 retained).
Molecular consequence: synonymous variant.
Genome position (GRCh38, 1-based): chr2:232,486,531, A>G on the plus strand (T>C on the coding strand, the complement: ECEL1 is on the minus strand). VCF-style: chr2-232486531-A-G. GRCh37 (hg19) VCF-style: chr2-233351241-A-G.
Other names: c.123T>C, p.Ala41= (NM_001290787.2).
Identifiers: ClinVar variation 4981214 (VCV004981214.1).